The following is an entry in ClinVar:

NM_015040.4(PIKFYVE):c.3187C>T (p.Arg1063Ter)

Gene: PIKFYVE (phosphoinositide kinase, FYVE-type zinc finger containing; plus strand). Cytogenetic location: 2q34.
Variant type: single nucleotide variant.
Coding change: c.3187C>T on transcript NM_015040.4 (MANE Select); coding-DNA position 3187, C replaced by T.
Protein change: p.Arg1063Ter; replaces arginine 1063 with a stop codon.
Molecular consequence: nonsense.
Genome position (GRCh38, 1-based): chr2:208,325,998, C>T. VCF-style: chr2-208325998-C-T. GRCh37 (hg19) VCF-style: chr2-209190722-C-T.
Other names: short protein forms R1063*.
Identifiers: ClinVar variation 4292566 (VCV004292566.2).

ClinVar aggregate classification (germline): Likely pathogenic. Review status: criteria provided, multiple submitters, no conflicts (2 of 4 stars). 2 submissions from 2 submitters: Likely pathogenic (2). Last evaluated 2024-12-24.

Conditions:
Fleck corneal dystrophy (CFD). Also called: CORNEAL DYSTROPHY, FRANCOIS-NEETENS SPECKLED OR FLECKED. Identifiers: Orphanet 98970, MedGen C1562113, MONDO:0007376, OMIM 121850.
PIKFYVE-related disorder. Also called: PIKFYVE-related condition.

gnomAD v4.1: 11 of 1,614,000 alleles (0.00068%); highest among the groups gnomAD compares: South Asian, 0.0011%; no homozygotes.

Submissions (2):

3billion
Classification: Likely pathogenic for Fleck corneal dystrophy. Last evaluated: 2024-12-24. Review status: criteria provided, single submitter. Criteria: ACMG Guidelines, 2015. Collection method: clinical testing. Allele origin: germline. Affected: yes.
Comment: The variant is observed at an extremely low frequency in the gnomAD v4.1.0 dataset (total allele frequency: <0.001%). Predicted Consequence/Location: Stop-gained (nonsense): predicted to result in a loss or disruption of normal protein function through nonsense-mediated decay (NMD) or protein truncation. Multiple pathogenic variants are reported downstream of the variant. Therefore, this variant is classified as Likely pathogenic according to the recommendation of ACMG/AMP guideline.

Blueprint Genetics
Classification: Likely pathogenic for PIKFYVE-related disorders. Last evaluated: 2020-06-19. Review status: criteria provided, single submitter. Criteria: ACMG Guidelines, 2015. Collection method: clinical testing. Allele origin: germline. Affected: yes. Observed: 2 variant alleles.